The following is an entry in ClinVar:

ClinVar aggregate classification (germline): Uncertain significance (1 of 4 stars; one submission).

Submission:

Labcorp Genetics (formerly Invitae), Labcorp
Classification: Uncertain significance. Last evaluated: 2022-11-01. Review status: criteria provided, single submitter. Criteria: Invitae Variant Classification Sherloc (09022015). Collection method: clinical testing. Allele origin: germline.
Comment: In summary, the available evidence is currently insufficient to determine the role of this variant in disease. Therefore, it has been classified as a Variant of Uncertain Significance. This variant has not been reported in the literature in individuals affected with RGS9BP-related conditions. This variant is not present in population databases (gnomAD no frequency). This sequence change creates a premature translational stop signal (p.Cys55Alafs*4) in the RGS9BP gene. While this is not anticipated to result in nonsense mediated decay, it is expected to disrupt the last 181 amino acid(s) of the RGS9BP protein.

NM_207391.3(RGS9BP):c.162del (p.Cys55fs)

Gene: RGS9BP (regulator of G protein signaling 9 binding protein; plus strand). Cytogenetic location: 19q13.11.
Variant type: Deletion.
Coding change: c.162del on transcript NM_207391.3 (MANE Select); coding-DNA position 162, one base deleted (C; older notation c.162delC).
Protein change: p.Cys55fs; shifts the reading frame from cysteine 55.
Molecular consequence: frameshift variant.
Genome position (GRCh38, 1-based): chr19:32,676,425, C deleted; the last of 2 consecutive C bases (chr19:32,676,424-32,676,425); deleting either gives the same sequence. VCF-style (leftmost placement, unchanged base first): chr19-32676423-AC-A. GRCh37 (hg19) VCF-style: chr19-33167329-AC-A.
Other names: short protein forms C55fs.
Identifiers: ClinVar variation 1994795 (VCV001994795.4), dbSNP rs2513248656, ClinGen allele CA2580096779.